The following is an entry in ClinVar:

ClinVar aggregate classification (germline): Conflicting classifications of pathogenicity. Review status: criteria provided, conflicting classifications (1 of 4 stars). 4 submissions from 4 submitters: Likely pathogenic (1); Uncertain significance (3). Last evaluated 2024-12-18.

Conditions:
Mucopolysaccharidosis, MPS-IV-A (MPS4A). Also called: MORQUIO A DISEASE; Mucopolysaccharidosis Type IVA; Mucopolysaccharidosis type IV A; GALACTOSAMINE-6-SULFATASE DEFICIENCY; GALNS DEFICIENCY; Morquio syndrome A, mild. Identifiers: Orphanet 309297, Orphanet 582, MedGen C0086651, MONDO:0009659, OMIM 253000.
GALNS-related disorders.

Allele frequency attached by ClinVar (database versions not stated): gnomAD exomes below 0.00001; gnomAD 0.00001.
gnomAD v4.1: 5 of 1,613,808 alleles (0.00031%); highest among the groups gnomAD compares: Non-Finnish European, 0.00042%; no homozygotes.

Submissions (4):

Women's Health and Genetics/Laboratory Corporation of America, LabCorp
Classification: Uncertain significance. Last evaluated: 2024-12-18. Review status: criteria provided, single submitter. Criteria: LabCorp Variant Classification Summary - May 2015. Collection method: clinical testing. Allele origin: germline.
Comment: Variant summary: GALNS c.947G>A (p.Gly316Glu) results in a non-conservative amino acid change located in the galactosamine-6-sulfatase; also known as N-acetylgalactosamine-6-sulfatase (GALNS) (IPR035626) of the encoded protein sequence. Five of five in-silico tools predict a damaging effect of the variant on protein function. The variant allele was found at a frequency of 4e-06 in 250654 control chromosomes. c.947G>A has been reported in the literature in individuals affected with Mucopolysaccharidosis Type IVA (Morquio Syndrome A) (Ghaffari_2022). These data indicate that the variant may be associated with disease. To our knowledge, no experimental evidence demonstrating an impact on protein function has been reported. The following publication have been ascertained in the context of this evaluation (PMID: 35005816).ClinVar contains an entry for this variant (Variation ID: 373414). Based on the evidence outlined above, the variant was classified as VUS-possibly pathogenic.

Labcorp Genetics (formerly Invitae), Labcorp
Classification: Uncertain significance for Mucopolysaccharidosis, MPS-IV-A. Last evaluated: 2024-10-22. Review status: criteria provided, single submitter. Criteria: Invitae Variant Classification Sherloc (09022015). Collection method: clinical testing. Allele origin: germline.
Comment: This sequence change replaces glycine, which is neutral and non-polar, with glutamic acid, which is acidic and polar, at codon 316 of the GALNS protein (p.Gly316Glu). This variant is present in population databases (no rsID available, gnomAD 0.0009%). This missense change has been observed in individual(s) with mucopolysaccharidosis (PMID: 35005816). ClinVar contains an entry for this variant (Variation ID: 373414). Invitae Evidence Modeling of protein sequence and biophysical properties (such as structural, functional, and spatial information, amino acid conservation, physicochemical variation, residue mobility, and thermodynamic stability) indicates that this missense variant is expected to disrupt GALNS protein function with a positive predictive value of 95%. In summary, the available evidence is currently insufficient to determine the role of this variant in disease. Therefore, it has been classified as a Variant of Uncertain Significance.

Blueprint Genetics
Classification: Likely pathogenic for GALNS-related disorders. Last evaluated: 2023-09-29. Review status: criteria provided, single submitter. Criteria: ACMG Guidelines, 2015. Collection method: clinical testing. Allele origin: germline. Affected: yes. Observed: 2 variant alleles.

GeneDx
Classification: Uncertain significance. Last evaluated: 2016-11-14. Review status: criteria provided, single submitter. Criteria: GeneDx Variant Classification (06012015). Collection method: clinical testing. Allele origin: germline. Affected: yes.
Comment: The G316E variant has not been published as a pathogenic variant, nor has it been reported as a benign variant to our knowledge. The G316E variant is a non-conservative amino acid substitution, which is likely to impact secondary protein structure as these residues differ in polarity, charge, size and/or other properties. This substitution occurs at a position that is conserved across species, and in silico analysis predicts this variant is probably damaging to the protein structure/function. Therefore, based on the currently available information, it is unclear whether this variant is a pathogenic variant or a rare benign variant.

Literature cited by the submitters: PubMed 35005816 (cited by Women's Health and Genetics/Laboratory Corporation of America, LabCorp and Labcorp Genetics (formerly Invitae), Labcorp).

NM_000512.5(GALNS):c.947G>A (p.Gly316Glu)

Gene: GALNS (galactosamine (N-acetyl)-6-sulfatase; minus strand). Cytogenetic location: 16q24.3.
Variant type: single nucleotide variant.
Coding change: c.947G>A on transcript NM_000512.5 (MANE Select); coding-DNA position 947, G replaced by A.
Protein change: p.Gly316Glu; replaces glycine 316 with glutamic acid.
Molecular consequence: missense variant.
Genome position (GRCh38, 1-based): chr16:88,832,053, C>T on the plus strand (G>A on the coding strand, the complement: GALNS is on the minus strand). VCF-style: chr16-88832053-C-T. GRCh37 (hg19) VCF-style: chr16-88898461-C-T.
Other names: c.392G>A, p.Gly131Glu (NM_001323543.2); c.965G>A, p.Gly322Glu (NM_001323544.2); short protein forms G316E, G322E, G131E.
Identifiers: ClinVar variation 373414 (VCV000373414.11), dbSNP rs1057518404, ClinGen allele CA16042956.
Genomic context (GRCh38, chr16:88,832,053, plus strand): 5'-CTCACCTGGCCTGCAGTGACGTGCCCTGGCCACCATGCGAGGGCAGGCTCCCTCATCCCT[C>T]CTTCAAACGTGGTCTGCTTCCCACACAGAAAGGGGCCGTTGCTGCCACCTGGGAGAGAGG-3'
Protein context (NP_000503.1, residues 306-326): FLCGKQTTFE[Gly316Glu]GMREPALAWW